The following is an entry in ClinVar:

ClinVar aggregate classification (germline): Uncertain significance (1 of 4 stars; one submission).

Conditions:
Cystic fibrosis (CF). Also called: MUCOVISCIDOSIS. Identifiers: Orphanet 586, MedGen C0010674, MONDO:0009061, OMIM 219700. Disease mechanism: loss of function.

Submission:

Ambry Genetics
Classification: Uncertain significance for Cystic fibrosis. Last evaluated: 2026-06-10. Review status: criteria provided, single submitter. Criteria: Ambry Variant Classification Scheme 2023. Collection method: clinical testing. Allele origin: germline.
Comment: The p.V440I variant (also known as c.1318G>A), located in coding exon 10 of the CFTR gene, results from a G to A substitution at nucleotide position 1318. The valine at codon 440 is replaced by isoleucine, an amino acid with highly similar properties. This amino acid position is highly conserved in available vertebrate species. In addition, the in silico prediction for this alteration is inconclusive. Based on the available evidence, the clinical significance of this variant remains unclear.

NM_000492.4(CFTR):c.1318G>A (p.Val440Ile)

Genes: CFTR (CF transmembrane conductance regulator; plus strand), CFTR-AS1 (CFTR antisense RNA 1; minus strand). Cytogenetic location: 7q31.2.
Variant type: single nucleotide variant.
Coding change: c.1318G>A on transcript NM_000492.4 (MANE Select); coding-DNA position 1318, G replaced by A.
Protein change: p.Val440Ile; replaces valine 440 with isoleucine.
Molecular consequence: missense variant.
Genome position (GRCh38, 1-based): chr7:117,548,749, G>A. VCF-style: chr7-117548749-G-A. GRCh37 (hg19) VCF-style: chr7-117188803-G-A.
Other names: short protein forms V440I.
Identifiers: ClinVar variation 4868816 (VCV004868816.1).
Genomic context (GRCh38, chr7:117,548,749, plus strand): 5'-AAAACTTCTAATGGTGATGACAGCCTCTTCTTCAGTAATTTCTCACTTCTTGGTACTCCT[G>A]TCCTGAAAGATATTAATTTCAAGATAGAAAGAGGACAGTTGTTGGCGGTTGCTGGATCCA-3'
Protein context (NP_000483.3, residues 430-450): FSNFSLLGTP[Val440Ile]LKDINFKIER